The following is an entry in ClinVar:

ClinVar aggregate classification (germline): Uncertain significance (1 of 4 stars; one submission).

gnomAD v4.1: 24 of 1,610,774 alleles (0.0015%); highest among the groups gnomAD compares: Middle Eastern, 0.066%; no homozygotes.

Submission:

Labcorp Genetics (formerly Invitae), Labcorp
Classification: Uncertain significance. Last evaluated: 2026-01-04. Review status: criteria provided, single submitter. Criteria: Invitae Variant Classification Sherloc (09022015). Collection method: clinical testing. Allele origin: germline.
Comment: This sequence change replaces leucine, which is neutral and non-polar, with phenylalanine, which is neutral and non-polar, at codon 914 of the ABL1 protein (p.Leu914Phe). This variant is not present in population databases (gnomAD no frequency). This variant has not been reported in the literature in individuals affected with ABL1-related conditions. Invitae Evidence Modeling of protein sequence and biophysical properties (such as structural, functional, and spatial information, amino acid conservation, physicochemical variation, residue mobility, and thermodynamic stability) indicates that this missense variant is not expected to disrupt ABL1 protein function with a negative predictive value of 95%. In summary, the available evidence is currently insufficient to determine the role of this variant in disease. Therefore, it has been classified as a Variant of Uncertain Significance.

NM_005157.6(ABL1):c.2683C>T (p.Leu895Phe)

Gene: ABL1 (ABL proto-oncogene 1, non-receptor tyrosine kinase; plus strand). Cytogenetic location: 9q34.12.
Variant type: single nucleotide variant.
Coding change: c.2683C>T on transcript NM_005157.6 (MANE Select); coding-DNA position 2683, C replaced by T.
Protein change: p.Leu895Phe; replaces leucine 895 with phenylalanine.
Molecular consequence: missense variant.
Genome position (GRCh38, 1-based): chr9:130,884,973, C>T. VCF-style: chr9-130884973-C-T. GRCh37 (hg19) VCF-style: chr9-133760360-C-T.
Other names: c.2740C>T, p.Leu914Phe (NM_007313.3); short protein forms L895F, L914F.
Identifiers: ClinVar variation 4804245 (VCV004804245.1).